The following is an entry in ClinVar:

ClinVar aggregate classification (germline): Conflicting classifications of pathogenicity. Review status: criteria provided, conflicting classifications (1 of 4 stars). 6 submissions from 6 submitters: Uncertain significance (5); Likely benign (1). Last evaluated 2026-01-21.

Conditions:
CDKN1C-related disorder. Also called: CDKN1C-related condition.
Inborn genetic diseases. Identifiers: MedGen C0950123, MeSH D030342.
Beckwith-Wiedemann syndrome (BWS). Also called: EMG SYNDROME; Exomphalos macroglossia gigantism syndrome. Identifiers: Orphanet 116, MedGen C0004903, MONDO:0007534, OMIM 130650.
IMAGe syndrome. Also called: Intrauterine growth retardation, metaphyseal dysplasia, adrenal hypoplasia congenita, and genital anomalies; Intrauterine Growth Restriction, Metaphyseal Dysplasia, Adrenal Hypoplasia Congenita, and Genital Anomalies. Identifiers: Orphanet 85173, MedGen C1846009, MONDO:0013873, OMIM 614732.

Allele frequency attached by ClinVar (database versions not stated): ExAC 0.00010; TOPMed 0.00012; gnomAD 0.00014; gnomAD exomes 0.00006.
gnomAD v4.1: 324 of 1,503,614 alleles (0.022%); highest among the groups gnomAD compares: Non-Finnish European, 0.028%; no homozygotes.

Submissions (6):

Labcorp Genetics (formerly Invitae), Labcorp
Classification: Uncertain significance for Beckwith-Wiedemann syndrome. Last evaluated: 2026-01-21. Review status: criteria provided, single submitter. Criteria: Invitae Variant Classification Sherloc (09022015). Collection method: clinical testing. Allele origin: germline.
Comment: This sequence change replaces alanine, which is neutral and non-polar, with serine, which is neutral and polar, at codon 257 of the CDKN1C protein (p.Ala257Ser). The frequency data for this variant in the population databases is considered unreliable, as metrics indicate poor data quality at this position in the gnomAD database. This variant has not been reported in the literature in individuals affected with CDKN1C-related conditions. ClinVar contains an entry for this variant (Variation ID: 454031). Invitae Evidence Modeling of protein sequence and biophysical properties (such as structural, functional, and spatial information, amino acid conservation, physicochemical variation, residue mobility, and thermodynamic stability) indicates that this missense variant is not expected to disrupt CDKN1C protein function with a negative predictive value of 80%. In summary, the available evidence is currently insufficient to determine the role of this variant in disease. Therefore, it has been classified as a Variant of Uncertain Significance.

PreventionGenetics, part of Exact Sciences
Classification: Uncertain significance for CDKN1C-related condition. Last evaluated: 2025-04-25. Review status: criteria provided, single submitter. Criteria: ACMG Guidelines, 2015. Collection method: clinical testing. Allele origin: germline.
Comment: The CDKN1C c.769G>T variant is predicted to result in the amino acid substitution p.Ala257Ser. To our knowledge, this variant has not been reported in the literature. This variant is reported in 0.019% of alleles in individuals of African descent in gnomAD, which may be too common to be an undocumented cause of disease. This variant has conflicting interpretations of pathogenicity in ClinVar ranging from likely benign to uncertain. Although we suspect that this variant may be benign, at this time, the clinical significance of this variant is uncertain due to the absence of conclusive functional and genetic evidence.

Ambry Genetics
Classification: Likely benign for Inborn genetic diseases. Last evaluated: 2022-08-08. Review status: criteria provided, single submitter. Criteria: Ambry Variant Classification Scheme 2023. Collection method: clinical testing. Allele origin: germline.

Fulgent Genetics
Classification: Uncertain significance for Beckwith-Wiedemann syndrome; IMAGe syndrome. Last evaluated: 2022-04-13. Review status: criteria provided, single submitter. Criteria: ACMG Guidelines, 2015. Collection method: clinical testing. Allele origin: unknown.

Sema4
Classification: Uncertain significance for Beckwith-Wiedemann syndrome. Last evaluated: 2021-12-08. Review status: criteria provided, single submitter. Criteria: Sema4 Curation Guidelines. Collection method: curation. Allele origin: germline.
Comment: The CDKN1C c.769G>T (p.A257S) variant has not been reported in the literature to our knowledge. This variant was observed in 3/15448 chromosomes in the African/African American population according to the Genome Aggregation Database (PMID: 32461654). This variant has been reported in ClinVar (Variation ID 454031). Functional studies have not been performed, and in silico predictions of the variant's effect on protein function are inconclusive. The overall evidence is insufficient to meet ACMG/AMP criteria for classifying it as benign or pathogenic. In summary, the clinical significance of this variant is currently uncertain.

Breakthrough Genomics
Classification: Uncertain significance. Review status: criteria provided, single submitter. Criteria: ACMG Guidelines, 2015. Collection method: not provided. Allele origin: germline. Inheritance: Autosomal dominant inheritance. Affected: yes.

NM_001122630.2(CDKN1C):c.736G>T (p.Ala246Ser)

Gene: CDKN1C (cyclin dependent kinase inhibitor 1C; minus strand). Cytogenetic location: 11p15.4.
Variant type: single nucleotide variant.
Coding change: c.736G>T on transcript NM_001122630.2 (MANE Select); coding-DNA position 736, G replaced by T.
Protein change: p.Ala246Ser; replaces alanine 246 with serine.
Molecular consequence: missense variant. On other transcripts: intron variant (1).
Genome position (GRCh38, 1-based): chr11:2,884,721, C>A on the plus strand (G>T on the coding strand, the complement: CDKN1C is on the minus strand). VCF-style: chr11-2884721-C-A. GRCh37 (hg19) VCF-style: chr11-2905951-C-A.
Other names: c.769G>T, p.Ala257Ser (LRG_533t1, NM_000076.2, NM_001362474.2); c.736G>T, p.Ala246Ser (NM_001122631.2); c.255+481G>T (NM_001362475.2); short protein forms A257S, A246S.
Identifiers: ClinVar variation 454031 (VCV000454031.14), dbSNP rs754283907, ClinGen allele CA5822178.